The following is an entry in ClinVar:

ClinVar aggregate classification (germline): Uncertain significance (1 of 4 stars; one submission).

Conditions:
Generalized epilepsy with febrile seizures plus, type 7 (GEFSP7). Also called: GEFS+, TYPE 7. Identifiers: Orphanet 36387, MedGen C2751778, MONDO:0013470, OMIM 613863.
Neuropathy, hereditary sensory and autonomic, type 2A (HSAN2A). Also called: HSAN IIA; ACROOSTEOLYSIS, GIACCAI TYPE; ACROOSTEOLYSIS, NEUROGENIC; WNK1-Related HSAN2 (HSAN2A); MORVAN DISEASE; NEUROPATHY, CONGENITAL SENSORY. Identifiers: Orphanet 970, MedGen C2752089, MONDO:0024309, OMIM 201300.

Allele frequency attached by ClinVar (database versions not stated): gnomAD 0.00001.

Submission:

Labcorp Genetics (formerly Invitae), Labcorp
Classification: Uncertain significance for Neuropathy, hereditary sensory and autonomic, type 2A; Generalized epilepsy with febrile seizures plus, type 7. Last evaluated: 2023-05-15. Review status: criteria provided, single submitter. Criteria: Invitae Variant Classification Sherloc (09022015). Collection method: clinical testing. Allele origin: germline.
Comment: In summary, the available evidence is currently insufficient to determine the role of this variant in disease. Therefore, it has been classified as a Variant of Uncertain Significance. Algorithms developed to predict the effect of sequence changes on RNA splicing suggest that this variant may disrupt the consensus splice site. Advanced modeling of protein sequence and biophysical properties (such as structural, functional, and spatial information, amino acid conservation, physicochemical variation, residue mobility, and thermodynamic stability) performed at Invitae indicates that this missense variant is not expected to disrupt SCN9A protein function. ClinVar contains an entry for this variant (Variation ID: 2153950). This variant has not been reported in the literature in individuals affected with SCN9A-related conditions. This variant is not present in population databases (gnomAD no frequency). This sequence change replaces glycine, which is neutral and non-polar, with serine, which is neutral and polar, at codon 1268 of the SCN9A protein (p.Gly1268Ser).

NM_001365536.1(SCN9A):c.3835G>A (p.Gly1279Ser)

Genes: SCN1A-AS1 (SCN1A and SCN9A antisense RNA 1; plus strand), SCN9A (sodium voltage-gated channel alpha subunit 9; minus strand). Cytogenetic location: 2q24.3.
Variant type: single nucleotide variant.
Coding change: c.3835G>A on transcript NM_001365536.1 (MANE Select); coding-DNA position 3835, G replaced by A.
Protein change: p.Gly1279Ser; replaces glycine 1279 with serine.
Molecular consequence: missense variant.
Genome position (GRCh38, 1-based): chr2:166,233,429, C>T on the plus strand (G>A on the coding strand, the complement: SCN9A is on the minus strand). VCF-style: chr2-166233429-C-T. GRCh37 (hg19) VCF-style: chr2-167089939-C-T.
Other names: c.3802G>A, p.Gly1268Ser (NM_002977.4); short protein forms G1279S, G1268S.
Identifiers: ClinVar variation 2153950 (VCV002153950.4), dbSNP rs1695182571, ClinGen allele CA349066624.
Genomic context (GRCh38, chr2:166,233,429, plus strand): 5'-TTAGAGGTCTTAAAGCTCTCAGTGTCCGAAGGGATTTAATGGGGCCAAGATCTGAGTAGC[C>T]AAGAGTGTTTGCCACTAAAGTAACCAAAGAAACCTATAAAAATAACATTTTCATTAATTG-3'
Protein context (NP_001352465.1, residues 1269-1289): SLVTLVANTL[Gly1279Ser]YSDLGPIKSL